The following is an entry in ClinVar:

NM_000059.4(BRCA2):c.500C>T (p.Thr167Ile)

Gene: BRCA2 (BRCA2 DNA repair associated; plus strand). Cytogenetic location: 13q13.1.
Variant type: single nucleotide variant.
Coding change: c.500C>T on transcript NM_000059.4 (MANE Select); coding-DNA position 500, C replaced by T.
Protein change: p.Thr167Ile; replaces threonine 167 with isoleucine.
Molecular consequence: missense variant.
Genome position (GRCh38, 1-based): chr13:32,326,266, C>T. VCF-style: chr13-32326266-C-T. GRCh37 (hg19) VCF-style: chr13-32900403-C-T.
Other names: short protein forms T167I.
Identifiers: ClinVar variation 924188 (VCV000924188.10), dbSNP rs2072346519, ClinGen allele CA387757694.

ClinVar aggregate classification (germline): Uncertain significance. Review status: criteria provided, multiple submitters, no conflicts (2 of 4 stars). 3 submissions from 3 submitters: Uncertain significance (3). Last evaluated 2025-12-08.

Conditions:
Hereditary cancer-predisposing syndrome. Also called: Neoplastic Syndromes, Hereditary; Tumor predisposition; Hereditary Cancer Syndrome; Hereditary neoplastic syndrome. Identifiers: Orphanet 140162, MedGen C0027672, MeSH D009386, MONDO:0015356.
Hereditary breast ovarian cancer syndrome. Also called: Hereditary breast and ovarian cancer syndrome; BRCA1- and BRCA2-Associated Hereditary Breast and Ovarian Cancer; Hereditary breast and ovarian cancer; Hereditary breast and ovarian cancer syndrome (HBOC); Breast and ovarian cancer; Hereditary breast and/or ovarian cancer syndrome. Identifiers: Orphanet 145, MedGen C0677776, MeSH D061325, MONDO:0003582. Disease mechanism: loss of function.

Submissions (3):

Ambry Genetics
Classification: Uncertain significance for Hereditary cancer-predisposing syndrome. Last evaluated: 2025-12-08. Review status: criteria provided, single submitter. Criteria: Ambry Variant Classification Scheme 2023. Collection method: clinical testing. Allele origin: germline.
Comment: The p.T167I variant (also known as c.500C>T), located in coding exon 5 of the BRCA2 gene, results from a C to T substitution at nucleotide position 500. The threonine at codon 167 is replaced by isoleucine, an amino acid with similar properties. This amino acid position is highly conserved in available vertebrate species. In addition, the in silico prediction for this alteration is inconclusive. Since supporting evidence is limited at this time, the clinical significance of this alteration remains unclear.

Labcorp Genetics (formerly Invitae), Labcorp
Classification: Uncertain significance for Hereditary breast ovarian cancer syndrome. Last evaluated: 2022-04-04. Review status: criteria provided, single submitter. Criteria: Invitae Variant Classification Sherloc (09022015). Collection method: clinical testing. Allele origin: germline.
Comment: In summary, the available evidence is currently insufficient to determine the role of this variant in disease. Therefore, it has been classified as a Variant of Uncertain Significance. This sequence change replaces threonine, which is neutral and polar, with isoleucine, which is neutral and non-polar, at codon 167 of the BRCA2 protein (p.Thr167Ile). ClinVar contains an entry for this variant (Variation ID: 924188). This variant has not been reported in the literature in individuals affected with BRCA2-related conditions. This variant is not present in population databases (gnomAD no frequency). Advanced modeling of protein sequence and biophysical properties (such as structural, functional, and spatial information, amino acid conservation, physicochemical variation, residue mobility, and thermodynamic stability) performed at Invitae indicates that this missense variant is not expected to disrupt BRCA2 protein function.

Color Diagnostics, LLC DBA Color Health
Classification: Uncertain significance for Hereditary cancer-predisposing syndrome. Last evaluated: 2019-05-01. Review status: criteria provided, single submitter. Criteria: ACMG Guidelines, 2015. Collection method: clinical testing. Allele origin: germline.